The following is an entry in ClinVar:

NM_001371395.1(USP53):c.1012C>T (p.Arg338Ter)

Gene: USP53 (ubiquitin specific peptidase 53; plus strand). Cytogenetic location: 4q26.
Variant type: single nucleotide variant.
Coding change: c.1012C>T on transcript NM_001371395.1 (MANE Select); coding-DNA position 1012, C replaced by T.
Protein change: p.Arg338Ter; replaces arginine 338 with a stop codon.
Molecular consequence: nonsense.
Genome position (GRCh38, 1-based): chr4:119,267,359, C>T. VCF-style: chr4-119267359-C-T. GRCh37 (hg19) VCF-style: chr4-120188514-C-T.
Other names: c.1012C>T, p.Arg338Ter (NM_001371396.1, NM_001371397.1, NM_001371398.1 and 5 more transcripts); c.862C>T, p.Arg288Ter (NM_001389660.1); c.664C>T, p.Arg222Ter (NM_001389662.1, NM_001389663.1, NM_001389664.1 and 3 more transcripts); short protein forms R338*, R222*, R288*.
Identifiers: ClinVar variation 694273 (VCV000694273.12), dbSNP rs751511532, ClinGen allele CA3059058.
Genomic context (GRCh38, chr4:119,267,359, plus strand): 5'-TTCATTGTGTTTTTTTAAAAGATTGGAACTAGATGGAAAGATGTTGTCTCCAAATGCATT[C>T]GATGCCACTTTCAGCCACTACTTTTGTTTTATGCAAACCCAGATGGCACAGCAGTTTCTA-3'

ClinVar aggregate classification (germline): Pathogenic. Review status: criteria provided, multiple submitters, no conflicts (2 of 4 stars). 7 submissions from 6 submitters: Pathogenic (5). 2 of the submissions do not count toward it. Last evaluated 2024-02-01.

Conditions:
Cholestasis. Identifiers: MedGen C0008370, MONDO:0001751, HP:0001396.
Cholestasis, progressive familial intrahepatic, (PFIC4-like).
Cholestasis, progressive familial intrahepatic, 7, with or without hearing loss. Identifiers: MedGen C5562043, MONDO:0030503, OMIM 619658.

Allele frequency attached by ClinVar (database versions not stated): gnomAD 0.00001; gnomAD exomes 0.00001 and 0.00002; ExAC 0.00002; TOPMed 0.00003.
gnomAD v4.1: 11 of 1,613,748 alleles (0.00068%); highest among the groups gnomAD compares: East Asian, 0.011%; no homozygotes.

Submissions (7):

Neuberg Centre For Genomic Medicine, NCGM
Classification: Pathogenic for Cholestasis, progressive familial intrahepatic, 7, with or without hearing loss. Last evaluated: 2024-02-01. Review status: criteria provided, single submitter. Criteria: ACMG Guidelines, 2015. Collection method: clinical testing. Allele origin: germline. Inheritance: Autosomal recessive inheritance. Affected: yes.
Comment: The stop-gained variant c.1012C>T (p.Arg338Ter) in USP53 gene has been reported in a homozygous state in the individuals affected with intrahepatic cholestasis. This sequence change creates a premature translational stop signal (p.Arg338*) in the USP53 gene. Loss of function variants have been previously reported to be disease causing. For these reasons, this variant has been classified as Pathogenic.

Labcorp Genetics (formerly Invitae), Labcorp
Classification: Pathogenic. Last evaluated: 2023-10-06. Review status: criteria provided, single submitter. Criteria: Invitae Variant Classification Sherloc (09022015). Collection method: clinical testing. Allele origin: germline.
Comment: This sequence change creates a premature translational stop signal (p.Arg338*) in the USP53 gene. It is expected to result in an absent or disrupted protein product. Loss-of-function variants in USP53 are known to be pathogenic (PMID: 32124521, 32759993). This variant is present in population databases (rs751511532, gnomAD 0.02%). This premature translational stop signal has been observed in individual(s) with cholestasis (PMID: 32124521). ClinVar contains an entry for this variant (Variation ID: 694273). For these reasons, this variant has been classified as Pathogenic.

3billion
Classification: Pathogenic for Cholestasis, progressive familial intrahepatic, 7, with or without hearing loss. Last evaluated: 2022-03-22. Review status: criteria provided, single submitter. Criteria: ACMG Guidelines, 2015. Collection method: clinical testing. Allele origin: germline. Affected: yes. Observed: 1 heterozygote.
Comment: Stop-gained (nonsense): predicted to result in a loss or disruption of normal protein function through nonsense-mediated decay (NMD) or protein truncation. Multiple pathogenic variants are reported downstream of the variant. This variant has been reported as pathogenic (ClinVar ID: VCV000694273). The variant is observed at an extremely low frequency in the gnomAD v2.1.1 dataset (total allele frequency: 0.0000240). Therefore, this variant is classified as pathogenic according to the recommendation of ACMG/AMP guideline.

The Center for Pediatric Liver Diseases, Children’s Hospital of Fudan University
Classification: Pathogenic for cholestasis. Last evaluated: 2019-10-15. Review status: criteria provided, single submitter. Criteria: ACMG Guidelines, 2015. Collection method: clinical testing. Allele origin: somatic. Affected: yes.

Juno Genomics, Hangzhou Juno Genomics, Inc
Classification: Pathogenic for Cholestasis, progressive familial intrahepatic, 7, with or without hearing loss. Review status: criteria provided, single submitter. Criteria: ACMG Guidelines, 2015. Collection method: clinical testing. Allele origin: germline.
Comment: Absent from controls (or at extremely low frequency if recessive) in Genome Aggregation Database.;Null variant in a gene where loss of function (LOF) is a known mechanism of disease.;For recessive disorders, detected in trans with a pathogenic variant.;Patient's phenotype or family history is highly specific for a disease with a single genetic etiology.

OMIM
Classification: Pathogenic for CHOLESTASIS, PROGRESSIVE FAMILIAL INTRAHEPATIC, 7, WITHOUT HEARING LOSS. Last evaluated: 2021-12-15. Review status: no assertion criteria provided. Collection method: literature only. Allele origin: germline. Not counted in ClinVar's aggregate classification.

The Center for Pediatric Liver Diseases, Children’s Hospital of Fudan University
Classification: Pathogenic for Cholestasis, progressive familial intrahepatic, (PFIC4-like). Last evaluated: 2019-09-24. Review status: no assertion criteria provided. Collection method: clinical testing. Allele origin: somatic. Inheritance: Autosomal recessive inheritance. Affected: yes. Observed: 4 variant alleles, 3 compound heterozygotes, 1 homozygote. Not counted in ClinVar's aggregate classification.

Literature cited by the submitters: PubMed 32124521 (cited by Labcorp Genetics (formerly Invitae), Labcorp and OMIM); PubMed 32759993 (cited by Labcorp Genetics (formerly Invitae), Labcorp).